The following is an entry in ClinVar:

NM_000128.4(F11):c.1633T>C (p.Cys545Arg)

Genes: F11 (coagulation factor XI; plus strand), F11-AS1 (F11 antisense RNA 1; minus strand). Cytogenetic location: 4q35.2.
Variant type: single nucleotide variant.
Coding change: c.1633T>C on transcript NM_000128.4 (MANE Select); coding-DNA position 1633, T replaced by C.
Protein change: p.Cys545Arg; replaces cysteine 545 with arginine.
Molecular consequence: missense variant.
Genome position (GRCh38, 1-based): chr4:186,287,740, T>C. VCF-style: chr4-186287740-T-C. GRCh37 (hg19) VCF-style: chr4-187208894-T-C.
Other names: short protein forms C545R.
Identifiers: ClinVar variation 1704201 (VCV001704201.1), dbSNP rs1741315380, ClinGen allele CA358945566.

ClinVar aggregate classification (germline): Uncertain significance (1 of 4 stars; one submission).

Conditions:
Hereditary factor XI deficiency disease. Also called: Congenital factor XI deficiency; PLASMA THROMBOPLASTIN ANTECEDENT DEFICIENCY; PTA DEFICIENCY; ROSENTHAL SYNDROME. Identifiers: Orphanet 329, MedGen C0015523, MeSH D005173, MONDO:0012897, OMIM 612416.

Allele frequency attached by ClinVar (database versions not stated): gnomAD exomes below 0.00001; gnomAD 0.00001.
gnomAD v4.1: 2 of 1,613,092 alleles (0.00012%); highest among the groups gnomAD compares: Non-Finnish European, 0.00017%; no homozygotes.

Submission:

ISTH-SSC Genomics in Thrombosis and Hemostasis, KU Leuven, Center for Molecular and Vascular Biology
Classification: Uncertain significance for Hereditary factor XI deficiency disease. Review status: criteria provided, single submitter. Criteria: ACMG Guidelines, 2015. Collection method: clinical testing. Allele origin: germline. Affected: yes. Observed: 1 heterozygote, 1 homozygote.
Comment: Submitted to GoldVariant by Kathleen Freson, Center for Molecular and Vascular Biology, Leuven, Belgium